The following is an entry in ClinVar:

NM_016352.4(CPA4):c.657G>A (p.Leu219=)

Gene: CPA4 (carboxypeptidase A4; plus strand). Cytogenetic location: 7q32.2.
Variant type: single nucleotide variant.
Coding change: c.657G>A on transcript NM_016352.4 (MANE Select); coding-DNA position 657, G replaced by A.
Protein change: p.Leu219=; no amino-acid change (leucine 219 retained).
Molecular consequence: synonymous variant.
Genome position (GRCh38, 1-based): chr7:130,306,852, G>A. VCF-style: chr7-130306852-G-A. GRCh37 (hg19) VCF-style: chr7-129946692-G-A.
Other names: c.558G>A, p.Leu186= (NM_001163446.2).
Identifiers: ClinVar variation 3906136 (VCV003906136.10).

ClinVar aggregate classification (germline): Likely benign (1 of 4 stars; one submission).

gnomAD v4.1: 778 of 1,612,036 alleles (0.048%); highest among the groups gnomAD compares: South Asian, 0.62%; 12 homozygotes.

Submission:

CeGaT Center for Human Genetics Tuebingen
Classification: Likely benign. Last evaluated: 2025-06-01. Review status: criteria provided, single submitter. Criteria: CeGaT Center For Human Genetics Tuebingen Variant Classification Criteria Version 2. Collection method: clinical testing. Allele origin: germline. Affected: yes. Observed: 1 variant allele.
Comment: CPA4: BP4, BP7